The following is an entry in ClinVar:

NM_003919.3(SGCE):c.348del (p.Ser117fs)

Genes: CASD1 (CAS1 domain containing 1; plus strand), SGCE (sarcoglycan epsilon; minus strand). Cytogenetic location: 7q21.3.
Variant type: Deletion.
Coding change: c.348del on transcript NM_003919.3 (MANE Select); coding-DNA position 348, one base deleted (G; older notation c.348delG).
Protein change: p.Ser117fs; shifts the reading frame from serine 117.
Molecular consequence: frameshift variant.
Genome position (GRCh38, 1-based): chr7:94,628,244, C deleted on the plus strand (G on the coding strand, the reverse complement: SGCE is on the minus strand); the first of 3 consecutive C bases (chr7:94,628,244-94,628,246); deleting any one gives the same sequence. VCF-style (leftmost placement, unchanged base first): chr7-94628243-AC-A. GRCh37 (hg19) VCF-style: chr7-94257555-AC-A.
Other names: c.348del, p.Ser117fs (NM_001099400.2, NM_001099401.2, NM_001346717.2); c.225del, p.Ser76fs (NM_001301139.2, NM_001362809.2); c.456del, p.Ser153fs (NM_001346713.2, NM_001346715.2); c.261del, p.Ser88fs (NM_001346719.2, NM_001362807.2); c.75del, p.Ser26fs (NM_001346720.2, NM_001362808.2); short protein forms S76fs, S153fs, S26fs, S117fs, S88fs.
Identifiers: ClinVar variation 373313 (VCV000373313.2), dbSNP rs1057518344, ClinGen allele CA16042744.

ClinVar aggregate classification (germline): Pathogenic (1 of 4 stars; one submission).

Submission:

GeneDx
Classification: Pathogenic. Last evaluated: 2016-11-14. Review status: criteria provided, single submitter. Criteria: GeneDx Variant Classification (06012015). Collection method: clinical testing. Allele origin: germline. Affected: yes.
Comment: The c.348delG variant in the SGCE gene has not been reported previously as a pathogenic variant nor as a benignvariant, to our knowledge. The c.348delG variant causes a frameshift starting with codon Serine 117, changes thisamino acid to a Proline residue, and creates a premature Stop codon at position 15 of the new reading frame, denotedp.Ser117ProfsX15. This variant is predicted to cause loss of normal protein function either through protein truncationor nonsense-mediated mRNA decay. The c.348delG variant was not observed in approximately 6500 individuals ofEuropean and African American ancestry in the NHLBI Exome Sequencing Project, indicating it is not a commonbenign variant in these populations. We interpret c.348delG as a pathogenic variant.